The following is an entry in ClinVar:

ClinVar aggregate classification (germline): Uncertain significance (1 of 4 stars; one submission).

Allele frequency attached by ClinVar (database versions not stated): gnomAD exomes 0.00006 and 0.00008; ExAC 0.00007; ESP Exome Variant Server 0.00008; TOPMed 0.00008; gnomAD 0.00009; 1000 Genomes Project 30x 0.00047; 1000 Genomes Project 0.00060.
gnomAD v4.1: 109 of 1,612,626 alleles (0.0068%); highest among the groups gnomAD compares: East Asian, 0.029%; no homozygotes.

Submission:

Labcorp Genetics (formerly Invitae), Labcorp
Classification: Uncertain significance. Last evaluated: 2022-05-12. Review status: criteria provided, single submitter. Criteria: Invitae Variant Classification Sherloc (09022015). Collection method: clinical testing. Allele origin: germline.
Comment: This sequence change replaces arginine, which is basic and polar, with tryptophan, which is neutral and slightly polar, at codon 2001 of the HSPG2 protein (p.Arg2001Trp). This variant is present in population databases (rs188040069, gnomAD 0.08%). This variant has not been reported in the literature in individuals affected with HSPG2-related conditions. Algorithms developed to predict the effect of missense changes on protein structure and function are either unavailable or do not agree on the potential impact of this missense change (SIFT: "Deleterious"; PolyPhen-2: "Probably Damaging"; Align-GVGD: "Class C0"). In summary, the available evidence is currently insufficient to determine the role of this variant in disease. Therefore, it has been classified as a Variant of Uncertain Significance.

NM_005529.7(HSPG2):c.6001C>T (p.Arg2001Trp)

Gene: HSPG2 (heparan sulfate proteoglycan 2; minus strand). Cytogenetic location: 1p36.12.
Variant type: single nucleotide variant.
Coding change: c.6001C>T on transcript NM_005529.7 (MANE Select); coding-DNA position 6001, C replaced by T.
Protein change: p.Arg2001Trp; replaces arginine 2001 with tryptophan.
Molecular consequence: missense variant.
Genome position (GRCh38, 1-based): chr1:21,854,980, G>A on the plus strand (C>T on the coding strand, the complement: HSPG2 is on the minus strand). VCF-style: chr1-21854980-G-A. GRCh37 (hg19) VCF-style: chr1-22181473-G-A.
Other names: c.6004C>T, p.Arg2002Trp (NM_001291860.2); short protein forms R2002W, R2001W.
Identifiers: ClinVar variation 1461986 (VCV001461986.5), dbSNP rs188040069, ClinGen allele CA671710.